The following is an entry in ClinVar:

NM_000492.4(CFTR):c.2735C>T (p.Ser912Leu)

Gene: CFTR (CF transmembrane conductance regulator; plus strand). Cytogenetic location: 7q31.2.
Variant type: single nucleotide variant.
Coding change: c.2735C>T on transcript NM_000492.4 (MANE Select); coding-DNA position 2735, C replaced by T.
Protein change: p.Ser912Leu; replaces serine 912 with leucine.
Molecular consequence: missense variant.
Genome position (GRCh38, 1-based): chr7:117,603,609, C>T. VCF-style: chr7-117603609-C-T. GRCh37 (hg19) VCF-style: chr7-117243663-C-T.
Other names: short protein forms S912L.
Identifiers: ClinVar variation 7205 (VCV000007205.78), dbSNP rs121909034, ClinGen allele CA325592.

ClinVar aggregate classification (germline): Uncertain significance. Review status: reviewed by expert panel (3 of 4 stars). 19 submissions from 19 submitters: Uncertain significance (1). 18 of the submissions do not count toward it. Last evaluated 2017-10-03.

Conditions:
CFTR-related disorder (CFTR-RD). Also called: CFTR-related disorders; CFTR-related condition. Identifiers: MedGen C5924204, MONDO:7770004.
Hereditary pancreatitis (PCTT). Also called: PRSS1-Related Hereditary Pancreatitis; Hereditary chronic pancreatitis. Identifiers: Orphanet 676, MedGen C0238339, MONDO:0008185, OMIM 167800.
Cystic fibrosis (CF). Also called: MUCOVISCIDOSIS. Identifiers: Orphanet 586, MedGen C0010674, MONDO:0009061, OMIM 219700. Disease mechanism: loss of function.

Allele frequency attached by ClinVar (database versions not stated): 1000 Genomes Project 0.00060; 1000 Genomes Project 30x 0.00062; gnomAD 0.00068; TOPMed 0.00079; ExAC 0.00089; gnomAD exomes 0.00108.
gnomAD v4.1: 958 of 1,613,968 alleles (0.059%); highest among the groups gnomAD compares: African/African-American, 0.061%; 3 homozygotes.

Submissions (19):

CFTR2
Classification: Uncertain significance for Cystic fibrosis. Last evaluated: 2017-10-03. Review status: reviewed by expert panel. Criteria: Submitter's publication and website. Collection method: research. Allele origin: germline. Affected: yes.

Labcorp Genetics (formerly Invitae), Labcorp
Classification: Benign for Cystic fibrosis. Last evaluated: 2026-01-27. Review status: criteria provided, single submitter. Criteria: Invitae Variant Classification Sherloc (09022015). Collection method: clinical testing. Allele origin: germline. Not counted in ClinVar's aggregate classification.

Quest Diagnostics Nichols Institute San Juan Capistrano
Classification: Benign. Last evaluated: 2025-09-30. Review status: criteria provided, single submitter. Criteria: Quest Diagnostics criteria. Collection method: clinical testing. Allele origin: unknown. Not counted in ClinVar's aggregate classification.

Mendelics
Classification: Likely benign for Cystic fibrosis. Last evaluated: 2025-03-19. Review status: criteria provided, single submitter. Criteria: Mendelics Assertion Criteria 2017. Collection method: clinical testing. Allele origin: unknown. Not counted in ClinVar's aggregate classification.
Comment: Variant NM_000492.4(CFTR):c.2735C>T (p.Ser912Leu) is found frequent in Mendelics internal database. GnomAD 4.1 frequency of 0.004887 with 35 homozygotes. In Silico Predictors: benign

Ambry Genetics
Classification: Likely benign for Cystic fibrosis. Last evaluated: 2024-12-11. Review status: criteria provided, single submitter. Criteria: Ambry Variant Classification Scheme 2023. Collection method: clinical testing. Allele origin: germline. Not counted in ClinVar's aggregate classification.

Blueprint Genetics
Classification: Likely benign. Last evaluated: 2024-11-18. Review status: criteria provided, single submitter. Criteria: ACMG Guidelines, 2015. Collection method: clinical testing. Allele origin: germline. Not counted in ClinVar's aggregate classification.

ARUP Laboratories, Molecular Genetics and Genomics, ARUP Laboratories
Classification: Benign. Last evaluated: 2024-09-12. Review status: criteria provided, single submitter. Criteria: ARUP Molecular Germline Variant Investigation Process 2024. Collection method: clinical testing. Allele origin: germline. Not counted in ClinVar's aggregate classification.

Institute of Human Genetics, University of Leipzig Medical Center
Classification: Uncertain significance for Cystic fibrosis. Last evaluated: 2022-09-05. Review status: criteria provided, single submitter. Criteria: ACMG Guidelines, 2015. Collection method: curation. Allele origin: unknown. Affected: yes. Observed: 1 variant allele. Not counted in ClinVar's aggregate classification.
Comment: The variant was classified in the context of a project re-classifying variants in the German Cystic Fibrosis Registry (Muko.e.V.). Criteria applied: PM3, BS3_MOD, BP2, BP4, BP6

Genome-Nilou Lab
Classification: Likely benign for Cystic fibrosis. Last evaluated: 2021-05-18. Review status: criteria provided, single submitter. Criteria: ACMG Guidelines, 2015. Collection method: clinical testing. Allele origin: germline. Affected: no. Not counted in ClinVar's aggregate classification.

Sema4
Classification: Likely benign for Hereditary pancreatitis. Last evaluated: 2020-11-02. Review status: criteria provided, single submitter. Criteria: Sema4 Curation Guidelines. Collection method: curation. Allele origin: germline. Not counted in ClinVar's aggregate classification.

Johns Hopkins Genomics, Johns Hopkins University
Classification: Benign for Cystic fibrosis. Last evaluated: 2019-01-31. Review status: criteria provided, single submitter. Criteria: ACMG Guidelines, 2015. Collection method: clinical testing. Allele origin: germline. Not counted in ClinVar's aggregate classification.

Eurofins Ntd Llc (ga)
Classification: Uncertain significance. Last evaluated: 2018-07-05. Review status: criteria provided, single submitter. Criteria: EGL ClinVar v180209 classification definitions. Collection method: clinical testing. Allele origin: germline. Observed: 8 variant alleles, 8 heterozygotes. Not counted in ClinVar's aggregate classification.

GeneDx
Classification: Likely benign. Last evaluated: 2018-01-02. Review status: criteria provided, single submitter. Criteria: GeneDx Variant Classification (06012015). Collection method: clinical testing. Allele origin: germline. Affected: yes. Not counted in ClinVar's aggregate classification.
Comment: This variant is considered likely benign or benign based on one or more of the following criteria: it is a conservative change, it occurs at a poorly conserved position in the protein, it is predicted to be benign by multiple in silico algorithms, and/or has population frequency not consistent with disease.

Women's Health and Genetics/Laboratory Corporation of America, LabCorp
Classification: Benign. Last evaluated: 2017-07-19. Review status: criteria provided, single submitter. Criteria: LabCorp Variant Classification Summary - May 2015. Collection method: clinical testing. Allele origin: germline. Not counted in ClinVar's aggregate classification.
Comment: Variant summary: The CFTR c.2735C>T (p.Ser912Leu) variant involves the alteration of a not conserved nucleotide. 3/5 in silico tools predict a damaging outcome for this variant. This variant was found in 279/304800 control chromosomes, predominantly observed in the Ashkenazi Jewish subpopulation in gnomAD at a frequency of 0.017041 (173/10152). This frequency is about 1.3 times the estimated maximal expected allele frequency of a pathogenic CFTR variant (0.0129603), suggesting this is likely a benign polymorphism found primarily in the populations of Ashkenazi Jewish origin. However, it needs to be noted that this observation needs to take into account the nature of this population having lower genetic heterogeneity. This variant has been reported in multiple affected individuals; however, many of the reported cases also carried p.G1244V in cis or in cis with another potentially pathogenic variant. Functional data shows that the variant of interest, alone, acts comparable to wild type function, however, in cis with another potentially pathogenic variant such as G1244V (shown to have pathogenic properties, in isolation) drastically affects functionality (Clain_2005). Furthermore, multiple clinical diagnostic laboratories/reputable databases and publications (Clain_2005 and Zietkiewicz_2014) cite the variant of interest in isolation as Benign. Therefore, taken all together, variant of interest in isolation is classified as benign, however, one must take into consideration when the variant of interest is in a complex allele with another potentially pathogenic CFTR variant (in cis), the variant of interest may act as a modifier of pathogenicity.

Illumina Laboratory Services, Illumina
Classification: Uncertain significance for CFTR-Related Disorders. Last evaluated: 2017-04-27. Review status: criteria provided, single submitter. Criteria: ICSL Variant Classification Criteria 13 December 2019. Collection method: clinical testing. Allele origin: germline. Not counted in ClinVar's aggregate classification.
Comment: This variant was observed as part of a predisposition screen in an ostensibly healthy population. A literature search was performed for the gene, cDNA change, and amino acid change (where applicable). Publications were found based on this search. However, the evidence from the literature, in combination with allele frequency data from public databases where available, was not sufficient to rule this variant in or out of causing disease. Therefore, this variant is classified as a variant of unknown significance.

Soonchunhyang University Bucheon Hospital, Soonchunhyang University Medical Center
Classification: Likely benign for Cystic fibrosis. Last evaluated: 2016-03-18. Review status: criteria provided, single submitter. Criteria: ACMG Guidelines, 2015. Collection method: reference population. Allele origin: germline. Observed: 1 variant allele. Not counted in ClinVar's aggregate classification.

PreventionGenetics, part of Exact Sciences
Classification: Likely benign for CFTR-related condition. Last evaluated: 2021-03-30. Review status: no assertion criteria provided. Collection method: clinical testing. Allele origin: germline. Not counted in ClinVar's aggregate classification.
Comment: This variant is classified as likely benign based on ACMG/AMP sequence variant interpretation guidelines (Richards et al. 2015 PMID: 25741868, with internal and published modifications).

Natera, Inc.
Classification: Benign for Cystic Fibrosis. Last evaluated: 2019-08-05. Review status: no assertion criteria provided. Collection method: clinical testing. Allele origin: germline. Not counted in ClinVar's aggregate classification.

OMIM
Classification: Benign for CFTR POLYMORPHISM. Last evaluated: 2005-05-01. Review status: no assertion criteria provided. Collection method: literature only. Allele origin: germline. Not counted in ClinVar's aggregate classification.

Literature cited by the submitters: PubMed 34426522 (cited by Quest Diagnostics Nichols Institute San Juan Capistrano); PubMed 34405919 (cited by Quest Diagnostics Nichols Institute San Juan Capistrano); PubMed 37628659 (cited by Quest Diagnostics Nichols Institute San Juan Capistrano); PubMed 38695616 (cited by Quest Diagnostics Nichols Institute San Juan Capistrano); PubMed 36409994 (cited by Quest Diagnostics Nichols Institute San Juan Capistrano); PubMed 35997436 (cited by Quest Diagnostics Nichols Institute San Juan Capistrano); PubMed 35527187 (cited by Quest Diagnostics Nichols Institute San Juan Capistrano); PubMed 35313924 (cited by Quest Diagnostics Nichols Institute San Juan Capistrano); PubMed 34583889 (cited by Quest Diagnostics Nichols Institute San Juan Capistrano); PubMed 33572515 (cited by Quest Diagnostics Nichols Institute San Juan Capistrano); PubMed 32695065 (cited by Quest Diagnostics Nichols Institute San Juan Capistrano); PubMed 7522211 (cited by 5 submitters); PubMed 15744523 (cited by 7 submitters); PubMed 24586523 (cited by 5 submitters); PubMed 29805046 (cited by Quest Diagnostics Nichols Institute San Juan Capistrano); PubMed 8528204 (cited by 3 submitters); PubMed 29589582 (cited by Quest Diagnostics Nichols Institute San Juan Capistrano and Ambry Genetics); PubMed 31245908 (cited by Quest Diagnostics Nichols Institute San Juan Capistrano); PubMed 30938940 (cited by Quest Diagnostics Nichols Institute San Juan Capistrano); PubMed 16189704 (cited by 3 submitters); PubMed 22678879 (cited by Ambry Genetics and Women's Health and Genetics/Laboratory Corporation of America, LabCorp); PubMed 18703788 (cited by 3 submitters); PubMed 23514810 (cited by Eurofins Ntd Llc (ga) and Women's Health and Genetics/Laboratory Corporation of America, LabCorp); PubMed 25910067 (cited by 3 submitters); PubMed 16126774 (cited by Women's Health and Genetics/Laboratory Corporation of America, LabCorp); PubMed 19236881 (cited by Women's Health and Genetics/Laboratory Corporation of America, LabCorp); PubMed 26755536 (cited by Women's Health and Genetics/Laboratory Corporation of America, LabCorp); PubMed 9259197 (cited by Women's Health and Genetics/Laboratory Corporation of America, LabCorp); PubMed 20167849 (cited by Women's Health and Genetics/Laboratory Corporation of America, LabCorp); PubMed 12007216 (cited by Women's Health and Genetics/Laboratory Corporation of America, LabCorp and Illumina Laboratory Services, Illumina); PubMed 19885835 (cited by Women's Health and Genetics/Laboratory Corporation of America, LabCorp and Illumina Laboratory Services, Illumina).